The following is an entry in ClinVar:

ClinVar aggregate classification (germline): Uncertain significance (1 of 4 stars; one submission).

Conditions:
Developmental and epileptic encephalopathy, 2 (DEE2). Also called: INFANTILE SPASM SYNDROME, X-LINKED 2; CDKL5 deficiency disorder. Identifiers: Orphanet 1934, Orphanet 3451, Orphanet 505652, MedGen C4750718, MONDO:0010396, OMIM 300672.
Angelman syndrome-like. Identifiers: MedGen CN128785.

Submission:

Labcorp Genetics (formerly Invitae), Labcorp
Classification: Uncertain significance for Developmental and epileptic encephalopathy, 2; Angelman syndrome-like. Last evaluated: 2022-05-11. Review status: criteria provided, single submitter. Criteria: Invitae Variant Classification Sherloc (09022015). Collection method: clinical testing. Allele origin: germline.
Comment: This sequence change replaces serine, which is neutral and polar, with proline, which is neutral and non-polar, at codon 827 of the CDKL5 protein (p.Ser827Pro). This variant is not present in population databases (gnomAD no frequency). This variant has not been reported in the literature in individuals affected with CDKL5-related conditions. Advanced modeling of protein sequence and biophysical properties (such as structural, functional, and spatial information, amino acid conservation, physicochemical variation, residue mobility, and thermodynamic stability) performed at Invitae indicates that this missense variant is not expected to disrupt CDKL5 protein function. In summary, the available evidence is currently insufficient to determine the role of this variant in disease. Therefore, it has been classified as a Variant of Uncertain Significance.

NM_001323289.2(CDKL5):c.2479T>C (p.Ser827Pro)

Gene: CDKL5 (cyclin dependent kinase like 5; plus strand). Cytogenetic location: Xp22.13.
Variant type: single nucleotide variant.
Coding change: c.2479T>C on transcript NM_001323289.2 (MANE Select); coding-DNA position 2479, T replaced by C.
Protein change: p.Ser827Pro; replaces serine 827 with proline.
Molecular consequence: missense variant.
Genome position (GRCh38, 1-based): chrX:18,625,230, T>C. VCF-style: chrX-18625230-T-C. GRCh37 (hg19) VCF-style: chrX-18643350-T-C.
Other names: c.2479T>C, p.Ser827Pro (NM_001037343.2, NM_003159.3); short protein forms S827P.
Identifiers: ClinVar variation 2131656 (VCV002131656.4), dbSNP rs2518895162, ClinGen allele CA412365737.